The following is an entry in ClinVar:

NM_000038.6(APC):c.1743+2461T>G

Gene: APC (APC regulator of WNT signaling pathway; plus strand). Cytogenetic location: 5q22.2.
Variant type: single nucleotide variant.
Coding change: c.1743+2461T>G on transcript NM_000038.6 (MANE Select); 2461 bases into the intron after coding-DNA position 1743, T replaced by G.
Molecular consequence: intron variant.
Genome position (GRCh38, 1-based): chr5:112,831,433, T>G. VCF-style: chr5-112831433-T-G. GRCh37 (hg19) VCF-style: chr5-112167130-T-G.
Other names: c.1743+2461T>G (NM_001354895.2, NM_001127510.3); c.1773+2461T>G (NM_001354897.2); c.1470+2461T>G (NM_001354902.2); c.1689+2461T>G (NM_001127511.3); c.1668+2461T>G (NM_001354898.2); c.1365+2461T>G (NM_001354904.2); c.894+2461T>G (NM_001354906.2); c.1797+2461T>G (NM_001354896.2); and 5 more.
Identifiers: ClinVar variation 83182 (VCV000083182.2), dbSNP rs544243, ClinGen allele CA005639.

ClinVar aggregate classification (germline): other (0 of 4 stars; one submission).

Conditions:
Familial colorectal cancer. Identifiers: MedGen CN280943, MONDO:0023113. Disease mechanism: loss of function.

Allele frequency attached by ClinVar (database versions not stated): gnomAD 0.58651 and 0.59353; TOPMed 0.61216; 1000 Genomes Project 30x 0.68988; 1000 Genomes Project 0.69010.
gnomAD v4.1: 90,217 of 152,066 alleles (59%); highest among the groups gnomAD compares: East Asian, 90%; 27,374 homozygotes.

Submission:

Systems Biology Platform Zhejiang California International NanoSystems Institute
Classification: other for Familial colorectal cancer. Review status: no assertion criteria provided. Collection method: not provided. Allele origin: unknown.
ClinVar note: Converted during submission from cancer to other.